The following is an entry in ClinVar:

NM_000503.6(EYA1):c.300C>T (p.Thr100=)

Gene: EYA1 (EYA transcriptional coactivator and phosphatase 1; minus strand). Cytogenetic location: 8q13.3.
Variant type: single nucleotide variant.
Coding change: c.300C>T on transcript NM_000503.6 (MANE Select); coding-DNA position 300, C replaced by T.
Protein change: p.Thr100=; no amino-acid change (threonine 100 retained).
Molecular consequence: synonymous variant. On other transcripts: intron variant (1).
Genome position (GRCh38, 1-based): chr8:71,321,852, G>A on the plus strand (C>T on the coding strand, the complement: EYA1 is on the minus strand). VCF-style: chr8-71321852-G-A. GRCh37 (hg19) VCF-style: chr8-72234087-G-A.
Other names: c.297C>T, p.Thr99= (NM_001288574.2); c.387C>T, p.Thr129= (NM_001370333.1, NM_172059.5); c.300C>T, p.Thr100= (NM_001370334.1, NM_001370335.1, NM_172058.4); c.384C>T, p.Thr128= (NM_001370336.1); c.-12-40C>T (NM_001288575.2).
Identifiers: ClinVar variation 1305300 (VCV001305300.2), dbSNP rs1378359746, ClinGen allele CA461329052.

ClinVar aggregate classification (germline): Uncertain significance (1 of 4 stars; one submission).

Allele frequency attached by ClinVar (database versions not stated): gnomAD exomes below 0.00001.
gnomAD v4.1: 6 of 1,614,220 alleles (0.00037%); highest among the groups gnomAD compares: Non-Finnish European, 0.00042%; no homozygotes.

Submission:

GeneDx
Classification: Uncertain significance. Last evaluated: 2019-02-15. Review status: criteria provided, single submitter. Criteria: GeneDx Variant Classification Process June 2021. Collection method: clinical testing. Allele origin: germline. Affected: yes.
Comment: In silico analysis, which includes splice predictors and evolutionary conservation, suggests this variant may impact gene splicing. In the absence of RNA/functional studies, the actual effect of this sequence change is unknown.; Has not been previously published as pathogenic or benign to our knowledge